The following is an entry in ClinVar:

NM_000392.5(ABCC2):c.525_552dup (p.Ser185fs)

Gene: ABCC2 (ATP binding cassette subfamily C member 2; plus strand). Cytogenetic location: 10q24.2.
Variant type: Duplication.
Coding change: c.525_552dup on transcript NM_000392.5 (MANE Select); coding-DNA positions 525 to 552, 28 bases duplicated (GATCCTGATCCTGATCTTTTCAGCATTT).
Protein change: p.Ser185fs; shifts the reading frame from serine 185.
Molecular consequence: frameshift variant.
Genome position (GRCh38, 1-based): chr10:99,793,948-99,793,975, GATCCTGATCCTGATCTTTTCAGCATTT duplicated. VCF-style (leftmost placement, unchanged base first): chr10-99793947-A-AGATCCTGATCCTGATCTTTTCAGCATTT. GRCh37 (hg19) VCF-style: chr10-101553704-A-AGATCCTGATCCTGATCTTTTCAGCATTT.
Other names: short protein forms S185fs.
Identifiers: ClinVar variation 5000018 (VCV005000018.1).

ClinVar aggregate classification (germline): Pathogenic (1 of 4 stars; one submission).

Conditions:
ABCC2-related disorder. Also called: ABCC2-related condition.

Submission:

PreventionGenetics, part of Exact Sciences
Classification: Pathogenic for ABCC2-related condition. Last evaluated: 2024-11-09. Review status: criteria provided, single submitter. Criteria: ACMG Guidelines, 2015. Collection method: clinical testing. Allele origin: germline.
Comment: The ABCC2 c.525_552dup28 variant is predicted to result in a frameshift and premature protein termination (p.Ser185Aspfs*13). To our knowledge, this variant has not been reported in the literature or in a large population database (gnomAD), indicating this variant is rare. Frameshift variants in ABCC2 are expected to be pathogenic. This variant is interpreted as pathogenic.